The following is an entry in ClinVar:

NM_000535.7(PMS2):c.2475C>T (p.Ser825=)

Gene: PMS2 (PMS1 homolog 2, mismatch repair system component; minus strand). Cytogenetic location: 7p22.1.
Variant type: single nucleotide variant.
Coding change: c.2475C>T on transcript NM_000535.7 (MANE Select); coding-DNA position 2475, C replaced by T.
Protein change: p.Ser825=; no amino-acid change (serine 825 retained).
Molecular consequence: synonymous variant. On other transcripts: non-coding transcript variant (1).
Genome position (GRCh38, 1-based): chr7:5,973,513, G>A on the plus strand (C>T on the coding strand, the complement: PMS2 is on the minus strand). VCF-style: chr7-5973513-G-A. GRCh37 (hg19) VCF-style: chr7-6013144-G-A.
Other names: c.2070C>T, p.Ser690= (NM_001322003.2, NM_001322004.2, NM_001322005.2); c.2319C>T, p.Ser773= (NM_001322006.2); c.2157C>T, p.Ser719= (NM_001322007.2, NM_001322008.2); c.2103C>T, p.Ser701= (NM_001322009.2); c.1914C>T, p.Ser638= (NM_001322010.2); c.1542C>T, p.Ser514= (NM_001322011.2, NM_001322012.2); c.1902C>T, p.Ser634= (NM_001322013.2); c.2508C>T, p.Ser836= (NM_001322014.2); and 1 more.
Identifiers: ClinVar variation 484247 (VCV000484247.14), dbSNP rs776460258, ClinGen allele CA048378.

ClinVar aggregate classification (germline): Conflicting classifications of pathogenicity. Review status: criteria provided, conflicting classifications (1 of 4 stars). 5 submissions from 5 submitters: Uncertain significance (2); Benign (1); Likely benign (2). Last evaluated 2025-12-10.

Conditions:
Hereditary nonpolyposis colorectal neoplasms. Identifiers: MedGen C0009405, MeSH D003123.
Lynch syndrome 4 (LYNCH4). Also called: Colorectal cancer, hereditary nonpolyposis, type 4; Hereditary non-polyposis colorectal cancer, type 4. Identifiers: Orphanet 144, MedGen C1838333, MONDO:0013699, OMIM 614337. Disease mechanism: loss of function.
Hereditary cancer-predisposing syndrome. Also called: Neoplastic Syndromes, Hereditary; Tumor predisposition; Hereditary Cancer Syndrome; Hereditary neoplastic syndrome. Identifiers: Orphanet 140162, MedGen C0027672, MeSH D009386, MONDO:0015356.

Allele frequency attached by ClinVar (database versions not stated): gnomAD exomes 0.00001; ExAC 0.00004.
gnomAD v4.1: 4 of 627,150 alleles (0.00064%); highest among the groups gnomAD compares: East Asian, 0.0033%; no homozygotes.

Submissions (5):

Labcorp Genetics (formerly Invitae), Labcorp
Classification: Likely benign for Hereditary nonpolyposis colorectal neoplasms. Last evaluated: 2025-12-10. Review status: criteria provided, single submitter. Criteria: Invitae Variant Classification Sherloc (09022015). Collection method: clinical testing. Allele origin: germline.

Myriad Genetics, Inc.
Classification: Benign for Lynch syndrome 4. Last evaluated: 2025-02-04. Review status: criteria provided, single submitter. Criteria: Myriad Autosomal Dominant, Autosomal Recessive and X-Linked Classification Criteria (2023). Collection method: clinical testing. Allele origin: unknown.
Comment: This variant is considered benign. This variant is a silent/synonymous amino acid change and it is not expected to impact splicing.

Women's Health and Genetics/Laboratory Corporation of America, LabCorp
Classification: Uncertain significance. Last evaluated: 2024-10-21. Review status: criteria provided, single submitter. Criteria: LabCorp Variant Classification Summary - May 2015. Collection method: clinical testing. Allele origin: germline.
Comment: Variant summary: PMS2 c.2475C>T alters a non-conserved nucleotide resulting in a synonymous change. Several computational tools predict a significant impact on normal splicing: Five predict the variant creates a cryptic 5' donor site. However, these predictions have yet to be confirmed by functional studies. The frequency data for this variant in gnomAD is considered unreliable, as metrics indicate poor data quality at this position. To our knowledge, no occurrence of c.2475C>T in individuals affected with Hereditary Nonpolyposis Colorectal Cancer and no experimental evidence demonstrating its impact on protein function have been reported. ClinVar contains an entry for this variant (Variation ID: 484247). Based on the evidence outlined above, the variant was classified as uncertain significance.

Quest Diagnostics Nichols Institute San Juan Capistrano
Classification: Uncertain significance. Last evaluated: 2022-09-26. Review status: criteria provided, single submitter. Criteria: Quest Diagnostics criteria. Collection method: clinical testing. Allele origin: unknown.
Comment: The variant has not been reported in the published literature. The frequency of this variant in the general population, 0.000014 (2/145224 chromosomes), is uninformative in assessment of its pathogenicity. Analysis of this variant using software algorithms for the prediction of the effect of nucleotide changes on PMS2 mRNA splicing yielded predictions that this variant may result in the gain of a cryptic splice site without affecting the natural splice sites . Based on the available information, we are unable to determine the clinical significance of this variant.

Ambry Genetics
Classification: Likely benign for Hereditary cancer-predisposing syndrome. Last evaluated: 2016-04-15. Review status: criteria provided, single submitter. Criteria: Ambry Variant Classification Scheme 2023. Collection method: clinical testing. Allele origin: germline.